The following is an entry in ClinVar:

NM_198129.4(LAMA3):c.1273+60C>T

Gene: LAMA3 (laminin subunit alpha 3; plus strand). Cytogenetic location: 18q11.2.
Variant type: single nucleotide variant.
Coding change: c.1273+60C>T on transcript NM_198129.4 (MANE Select); 60 bases into the intron after coding-DNA position 1273, C replaced by T.
Molecular consequence: intron variant. On other transcripts: nonsense (1), genic upstream transcript variant (1).
Genome position (GRCh38, 1-based): chr18:23,773,647, C>T. VCF-style: chr18-23773647-C-T. GRCh37 (hg19) VCF-style: chr18-21353611-C-T.
Other names: c.1333C>T, p.Gln445Ter (NM_001302996.2); c.1273+60C>T (NM_001127717.4); c.-99398C>T (NM_000227.6); short protein forms Q445*.
Identifiers: ClinVar variation 3896002 (VCV003896002.1).

ClinVar aggregate classification (germline): Uncertain significance (1 of 4 stars; one submission).

gnomAD v4.1: 12 of 1,096,970 alleles (0.0011%); highest among the groups gnomAD compares: Admixed American, 0.002%; no homozygotes.

Submission:

Women's Health and Genetics/Laboratory Corporation of America, LabCorp
Classification: Uncertain significance. Last evaluated: 2025-03-31. Review status: criteria provided, single submitter. Criteria: LabCorp Variant Classification Summary - May 2015. Collection method: clinical testing. Allele origin: germline.
Comment: Variant summary: LAMA3 c.-99398C>T is located in the untranscribed region upstream of the LAMA3 gene region in NM_000227.6. This variant corresponds to c.1273+60C>T in NM_198129.4. Consensus agreement among computation tools predict no significant impact on normal splicing. However, these predictions have yet to be confirmed by functional studies. In addition, the variant corresponds to c.1333C>T (p.Gln445X), i.e. a truncating variant located in the last exon of NM_001302996.2. The variant allele was found at a frequency of 1.1e-05 in 1091342 control chromosomes (gnomAD v4.1). This frequency is not significantly higher than estimated for a pathogenic variant in LAMA3 causing Junctional Epidermolysis Bullosa (1.1e-05 vs 0.00087), allowing no conclusion about variant significance. The variant, described as NM_001302996.2:c.1333C>T (p.Gln445X), has been reported in the literature in heterozygous state as a secondary finding in an individual undergoing exome sequencing (Cohen_2024). These report(s) do not provide unequivocal conclusions about association of the variant with Junctional Epidermolysis Bullosa. To our knowledge, no experimental evidence demonstrating an impact on protein function has been reported. The following publication have been ascertained in the context of this evaluation (PMID: 38523675). No submitters have cited clinical-significance assessments for this variant to ClinVar. Based on the evidence outlined above, the variant was classified as uncertain significance.

Literature cited by the submitters: PubMed 38523675.